The following is an entry in ClinVar:

NM_020755.4(SERINC1):c.760-11_760-5dup

Gene: SERINC1 (serine incorporator 1; minus strand). Cytogenetic location: 6q22.31.
Variant type: Duplication.
Coding change: c.760-11_760-5dup on transcript NM_020755.4 (MANE Select); 11 bases into the intron before coding-DNA position 760 through 5 bases into the intron before coding-DNA position 760, 7 bases duplicated (TTTTTTT; older notation c.760-11_760-5dupTTTTTTT).
Molecular consequence: intron variant.
Genome position (GRCh38, 1-based): chr6:122,451,759-122,451,765, AAAAAAA duplicated on the plus strand (TTTTTTT on the coding strand, the reverse complement: SERINC1 is on the minus strand); duplicating any 7 consecutive bases within chr6:122,451,759-122,451,777 gives the same sequence; the c. name uses the placement nearest the transcript's 3' end. VCF-style (leftmost placement, unchanged base first): chr6-122451758-C-CAAAAAAA. GRCh37 (hg19) VCF-style: chr6-122772903-C-CAAAAAAA.
Identifiers: ClinVar variation 2656894 (VCV002656894.24), dbSNP rs750920534, ClinGen allele CA818227736.

ClinVar aggregate classification (germline): Likely benign (1 of 4 stars; one submission).

Submission:

CeGaT Center for Human Genetics Tuebingen
Classification: Likely benign. Last evaluated: 2022-05-01. Review status: criteria provided, single submitter. Criteria: CeGaT Center For Human Genetics Tuebingen Variant Classification Criteria Version 2. Collection method: clinical testing. Allele origin: germline. Affected: yes. Observed: 1 variant allele.
Comment: SERINC1: BP4